The following is an entry in ClinVar:

ClinVar aggregate classification (germline): Uncertain significance (1 of 4 stars; one submission).

Conditions:
Epidermolysis bullosa simplex with nail dystrophy (EBS5D). Identifiers: MedGen C4225309, MONDO:0014661, OMIM 616487.
Epidermolysis bullosa simplex 5B, with muscular dystrophy (EBS5B). Also called: EPIDERMOLYSIS BULLOSA SIMPLEX AND LIMB-GIRDLE MUSCULAR DYSTROPHY; Epidermolysis bullosa simplex with muscular dystrophy. Identifiers: Orphanet 257, MedGen C2931072, MONDO:0009181, OMIM 226670.
Epidermolysis bullosa simplex 5C, with pyloric atresia (EBS5C). Also called: PLEC-Related Epidermolysis Bullosa with Pyloric Atresia; Epidermolysis bullosa simplex with pyloric atresia; PLEC1-Related Epidermolysis Bullosa with Pyloric Atresia. Identifiers: Orphanet 158684, MedGen C2677349, MONDO:0012807, OMIM 612138.
Autosomal recessive limb-girdle muscular dystrophy type 2Q (LGMDR17). Also called: MUSCULAR DYSTROPHY, LIMB-GIRDLE, AUTOSOMAL RECESSIVE 17. Identifiers: Orphanet 254361, MedGen C3150989, MONDO:0013390, OMIM 613723.
Epidermolysis bullosa simplex, Ogna type (EBS5A). Also called: Pidermolysis bullosa simplex 5A, Ogna type; EPIDERMOLYSIS BULLOSA SIMPLEX 5A, OGNA TYPE. Identifiers: Orphanet 79401, MedGen C0432317, MONDO:0007555, OMIM 131950.

Submission:

Labcorp Genetics (formerly Invitae), Labcorp
Classification: Uncertain significance for Autosomal recessive limb-girdle muscular dystrophy type 2Q; Epidermolysis bullosa simplex, Ogna type; Epidermolysis bullosa simplex with nail dystrophy; Epidermolysis bullosa simplex 5C, with pyloric atresia; Epidermolysis bullosa simplex 5B, with muscular dystrophy. Last evaluated: 2023-08-17. Review status: criteria provided, single submitter. Criteria: Invitae Variant Classification Sherloc (09022015). Collection method: clinical testing. Allele origin: germline.
Comment: This sequence change replaces valine, which is neutral and non-polar, with leucine, which is neutral and non-polar, at codon 2949 of the PLEC protein (p.Val2949Leu). This variant is not present in population databases (gnomAD no frequency). This variant has not been reported in the literature in individuals affected with PLEC-related conditions. An algorithm developed to predict the effect of missense changes on protein structure and function (PolyPhen-2) suggests that this variant is likely to be disruptive. In summary, the available evidence is currently insufficient to determine the role of this variant in disease. Therefore, it has been classified as a Variant of Uncertain Significance.

NM_201384.3(PLEC):c.8764G>C (p.Val2922Leu)

Gene: PLEC (plectin; minus strand). Cytogenetic location: 8q24.3.
Variant type: single nucleotide variant.
Coding change: c.8764G>C on transcript NM_201384.3 (MANE Select); coding-DNA position 8764, G replaced by C.
Protein change: p.Val2922Leu; replaces valine 2922 with leucine.
Molecular consequence: missense variant.
Genome position (GRCh38, 1-based): chr8:143,921,057, C>G on the plus strand (G>C on the coding strand, the complement: PLEC is on the minus strand). VCF-style: chr8-143921057-C-G. GRCh37 (hg19) VCF-style: chr8-144995225-C-G.
Other names: c.5464G>C, p.Val1822Leu (NM_001410941.1); c.8722G>C, p.Val2908Leu (NM_201378.4); c.8698G>C, p.Val2900Leu (NM_201379.3); c.9175G>C, p.Val3059Leu (NM_201380.4); c.8668G>C, p.Val2890Leu (NM_201381.3); c.8764G>C, p.Val2922Leu (NM_201382.4); c.8776G>C, p.Val2926Leu (NM_201383.3); c.8845G>C, p.Val2949Leu (NM_000445.5); short protein forms V2926L, V2900L, V2890L, V2908L, V2922L, V3059L, V1822L, V2949L.
Identifiers: ClinVar variation 2929180 (VCV002929180.3), dbSNP rs782738947, ClinGen allele CA372515389.